The following is an entry in ClinVar:

NM_003995.4(NPR2):c.1621G>A (p.Gly541Ser)

Gene: NPR2 (natriuretic peptide receptor 2; plus strand). Cytogenetic location: 9p13.3.
Variant type: single nucleotide variant.
Coding change: c.1621G>A on transcript NM_003995.4 (MANE Select); coding-DNA position 1621, G replaced by A.
Protein change: p.Gly541Ser; replaces glycine 541 with serine.
Molecular consequence: missense variant.
Genome position (GRCh38, 1-based): chr9:35,801,989, G>A. VCF-style: chr9-35801989-G-A. GRCh37 (hg19) VCF-style: chr9-35801986-G-A.
Other names: c.1630G>A, p.Gly544Ser (NM_001378923.1); short protein forms G541S, G544S.
Identifiers: ClinVar variation 1372615 (VCV001372615.6), dbSNP rs369386073, ClinGen allele CA5051750.
Genomic context (GRCh38, chr9:35,801,989, plus strand): 5'-GGATCCAGTTACGGCTCGCTCATGACAGCCCATGGGAAATACCAGATCTTTGCCAACACC[G>A]GTCACTTCAAGGTGAACAGTCATTTGCTTGTTCTGGTCCCCACCATTTCATCCTGTCTCA-3'
Protein context (NP_003986.2, residues 531-551): HGKYQIFANT[Gly541Ser]HFKGNVVAIK

ClinVar aggregate classification (germline): Uncertain significance (1 of 4 stars; one submission).

Conditions:
Acromesomelic dysplasia 1, Maroteaux type (AMD1). Also called: ST. HELENA DYSPLASIA; ACROMESOMELIC DYSPLASIA 1. Identifiers: Orphanet 40, MedGen C1864356, MONDO:0011275, OMIM 602875.
Tall stature-scoliosis-macrodactyly of the great toes syndrome. Also called: Epiphyseal chondrodysplasia, miura type. Identifiers: Orphanet 329191, MedGen C4014690, MONDO:0014401, OMIM 615923.

Allele frequency attached by ClinVar (database versions not stated): gnomAD 0.00008 and 0.00010; ESP Exome Variant Server 0.00015; 1000 Genomes Project 0.00040; 1000 Genomes Project 30x 0.00047.
gnomAD v4.1: 132 of 1,613,826 alleles (0.0082%); highest among the groups gnomAD compares: South Asian, 0.082%; 2 homozygotes.

Submission:

Labcorp Genetics (formerly Invitae), Labcorp
Classification: Uncertain significance for Tall stature-scoliosis-macrodactyly of the great toes syndrome; Acromesomelic dysplasia 1, Maroteaux type. Last evaluated: 2025-12-17. Review status: criteria provided, single submitter. Criteria: Invitae Variant Classification Sherloc (09022015). Collection method: clinical testing. Allele origin: germline.
Comment: This sequence change replaces glycine, which is neutral and non-polar, with serine, which is neutral and polar, at codon 541 of the NPR2 protein (p.Gly541Ser). This variant is present in population databases (rs369386073, gnomAD 0.09%). This variant has not been reported in the literature in individuals affected with NPR2-related conditions. ClinVar contains an entry for this variant (Variation ID: 1372615). Invitae Evidence Modeling of protein sequence and biophysical properties (such as structural, functional, and spatial information, amino acid conservation, physicochemical variation, residue mobility, and thermodynamic stability) indicates that this missense variant is not expected to disrupt NPR2 protein function with a negative predictive value of 80%. In summary, the available evidence is currently insufficient to determine the role of this variant in disease. Therefore, it has been classified as a Variant of Uncertain Significance.